The following is an entry in ClinVar:

NM_003072.5(SMARCA4):c.709G>A (p.Gly237Ser)

Gene: SMARCA4 (SWI/SNF related BAF chromatin remodeling complex subunit ATPase 4; plus strand). Cytogenetic location: 19p13.2.
Variant type: single nucleotide variant.
Coding change: c.709G>A on transcript NM_003072.5 (MANE Select); coding-DNA position 709, G replaced by A.
Protein change: p.Gly237Ser; replaces glycine 237 with serine.
Molecular consequence: missense variant. On other transcripts: non-coding transcript variant (1).
Genome position (GRCh38, 1-based): chr19:10,986,542, G>A. VCF-style: chr19-10986542-G-A. GRCh37 (hg19) VCF-style: chr19-11097218-G-A.
Other names: c.709G>A, p.Gly237Ser (NM_001128844.3, NM_001128845.2, NM_001128846.2 and 5 more transcripts); short protein forms G237S.
Identifiers: ClinVar variation 470453 (VCV000470453.15), dbSNP rs1555753727, ClinGen allele CA404057106.

ClinVar aggregate classification (germline): Uncertain significance. Review status: criteria provided, multiple submitters, no conflicts (2 of 4 stars). 5 submissions from 5 submitters: Uncertain significance (5). Last evaluated 2025-06-02.

Conditions:
Hereditary cancer-predisposing syndrome. Also called: Hereditary neoplastic syndrome; Neoplastic Syndromes, Hereditary; Tumor predisposition; Hereditary Cancer Syndrome. Identifiers: Orphanet 140162, MedGen C0027672, MeSH D009386, MONDO:0015356.
Intellectual disability, autosomal dominant 16 (CSS4). Also called: COFFIN-SIRIS SYNDROME 4. Identifiers: Orphanet 1465, MedGen C3553249, MONDO:0013821, OMIM 614609.
Rhabdoid tumor predisposition syndrome 2 (RTPS2). Identifiers: Orphanet 231108, Orphanet 69077, MedGen C2750074, MONDO:0013224, OMIM 613325.

Allele frequency attached by ClinVar (database versions not stated): gnomAD exomes below 0.00001.
gnomAD v4.1: 2 of 1,540,632 alleles (0.00013%); highest among the groups gnomAD compares: Non-Finnish European, 0.000087%; no homozygotes.

Submissions (5):

Ambry Genetics
Classification: Uncertain significance for Hereditary cancer-predisposing syndrome. Last evaluated: 2025-06-02. Review status: criteria provided, single submitter. Criteria: Ambry Variant Classification Scheme 2023. Collection method: clinical testing. Allele origin: germline.
Comment: The p.G237S variant (also known as c.709G>A), located in coding exon 3 of the SMARCA4 gene, results from a G to A substitution at nucleotide position 709. The glycine at codon 237 is replaced by serine, an amino acid with similar properties. This amino acid position is highly conserved in available vertebrate species. In addition, the in silico prediction for this alteration is inconclusive. Missense and in-frame variants in SMARCA4 are known to cause neurodevelopmental disorders; however, such associations with rhabdoid tumor predisposition syndrome including small cell carcinoma of the ovary-hypercalcemic type (SCCOHT) are exceedingly rare (Kosho T et al. Am J Med Genet C Semin Med Genet. 2014 Sep;166C(3):262-75; Jelinic P et al. Nat Genet. 2014 May;46(5):424-6). Based on the supporting evidence, the association of this alteration with Coffin-Siris syndrome is unknown; however, the association of this alteration with rhabdoid tumor predisposition syndrome is unlikely.

Labcorp Genetics (formerly Invitae), Labcorp
Classification: Uncertain significance for Rhabdoid tumor predisposition syndrome 2. Last evaluated: 2025-05-05. Review status: criteria provided, single submitter. Criteria: Invitae Variant Classification Sherloc (09022015). Collection method: clinical testing. Allele origin: germline.
Comment: This sequence change replaces glycine, which is neutral and non-polar, with serine, which is neutral and polar, at codon 237 of the SMARCA4 protein (p.Gly237Ser). This variant is not present in population databases (gnomAD no frequency). This missense change has been observed in individual(s) with SMARCA4-related conditions (PMID: 37500730). ClinVar contains an entry for this variant (Variation ID: 470453). Invitae Evidence Modeling of protein sequence and biophysical properties (such as structural, functional, and spatial information, amino acid conservation, physicochemical variation, residue mobility, and thermodynamic stability) indicates that this missense variant is not expected to disrupt SMARCA4 protein function with a negative predictive value of 95%. In summary, the available evidence is currently insufficient to determine the role of this variant in disease. Therefore, it has been classified as a Variant of Uncertain Significance.

Quest Diagnostics Nichols Institute San Juan Capistrano
Classification: Uncertain significance. Last evaluated: 2024-09-28. Review status: criteria provided, single submitter. Criteria: Quest Diagnostics criteria. Collection method: clinical testing. Allele origin: unknown.
Comment: The SMARCA4 c.709G>A (p.Gly237Ser) variant has not been reported in individuals with SMARCA4-related conditions in the published literature. It also has not been reported in large, multi-ethnic general populations (Genome Aggregation Database). Analysis of this variant using bioinformatics tools for the prediction of the effect of amino acid changes on protein structure and function yielded predictions that this variant is benign. Based on the available information, we are unable to determine the clinical significance of this variant.

Genome-Nilou Lab
Classification: Uncertain significance for Intellectual disability, autosomal dominant 16. Last evaluated: 2021-07-15. Review status: criteria provided, single submitter. Criteria: ACMG Guidelines, 2015. Collection method: clinical testing. Allele origin: germline. Affected: no.

Fulgent Genetics
Classification: Uncertain significance for Rhabdoid tumor predisposition syndrome 2; Intellectual disability, autosomal dominant 16. Last evaluated: 2018-10-31. Review status: criteria provided, single submitter. Criteria: ACMG Guidelines, 2015. Collection method: clinical testing. Allele origin: unknown.

Literature cited by the submitters: PubMed 37500730 (cited by Labcorp Genetics (formerly Invitae), Labcorp).